The following is an entry in ClinVar:

ClinVar aggregate classification (germline): Uncertain significance (0 of 4 stars; one submission).

Conditions:
SEMA3A-related disorder. Also called: SEMA3A-related condition.

gnomAD v4.1: 9 of 1,606,432 alleles (0.00056%); highest among the groups gnomAD compares: South Asian, 0.0011%; no homozygotes.

Submission:

PreventionGenetics, part of Exact Sciences
Classification: Uncertain significance for SEMA3A-related condition. Last evaluated: 2023-12-19. Review status: no assertion criteria provided. Collection method: clinical testing. Allele origin: germline.
Comment: The SEMA3A c.1509T>G variant is predicted to result in the amino acid substitution p.Ile503Met. This variant has been reported to be maternally inherited in an individual with idiopathic congenital hypogonadism (Turkyilmaz et al. 2021. PubMed ID: 33819414). This variant has not been reported in a large population database, indicating this variant is rare. At this time, the clinical significance of this variant is uncertain due to the absence of conclusive functional and genetic evidence.

NM_006080.3(SEMA3A):c.1509T>G (p.Ile503Met)

Gene: SEMA3A (semaphorin 3A; minus strand). Cytogenetic location: 7q21.11.
Variant type: single nucleotide variant.
Coding change: c.1509T>G on transcript NM_006080.3 (MANE Select); coding-DNA position 1509, T replaced by G.
Protein change: p.Ile503Met; replaces isoleucine 503 with methionine.
Molecular consequence: missense variant.
Genome position (GRCh38, 1-based): chr7:83,981,464, A>C on the plus strand (T>G on the coding strand, the complement: SEMA3A is on the minus strand). VCF-style: chr7-83981464-A-C. GRCh37 (hg19) VCF-style: chr7-83610780-A-C.
Other names: short protein forms I503M.
Identifiers: ClinVar variation 3354281 (VCV003354281.1).